The following is an entry in ClinVar:

NM_001083962.2(TCF4):c.304A>C (p.Ser102Arg)

Genes: TCF4 (transcription factor 4; minus strand), TCF4-AS1 (TCF4 antisense RNA 1; plus strand). Cytogenetic location: 18q21.2.
Variant type: single nucleotide variant.
Coding change: c.304A>C on transcript NM_001083962.2 (MANE Select); coding-DNA position 304, A replaced by C.
Protein change: p.Ser102Arg; replaces serine 102 with arginine.
Molecular consequence: missense variant.
Genome position (GRCh38, 1-based): chr18:55,461,019, T>G on the plus strand (A>C on the coding strand, the complement: TCF4 is on the minus strand). VCF-style: chr18-55461019-T-G. GRCh37 (hg19) VCF-style: chr18-53128250-T-G.
Other names: c.610A>C, p.Ser204Arg (NM_001243226.3); c.232A>C, p.Ser78Arg (NM_001348219.2, NM_001348220.1, NM_001369584.1 and 15 more transcripts); c.304A>C, p.Ser102Arg (NM_001369567.1, NM_001369568.1, NM_001369569.1 and 8 more transcripts); c.298A>C, p.Ser100Arg (NM_001243230.2); c.178A>C, p.Ser60Arg (NM_001243231.2, NM_001348211.2); short protein forms S100R, S102R, S204R, S60R, S78R.
Identifiers: ClinVar variation 1002665 (VCV001002665.8), dbSNP rs780638244, ClinGen allele CA8970606.

ClinVar aggregate classification (germline): Uncertain significance (1 of 4 stars; one submission).

Conditions:
Pitt-Hopkins syndrome (PTHS). Also called: ENCEPHALOPATHY, SEVERE EPILEPTIC, WITH AUTONOMIC DYSFUNCTION; MENTAL RETARDATION, SYNDROMAL, WITH INTERMITTENT HYPERVENTILATION. Identifiers: Orphanet 2896, MedGen C1970431, MONDO:0012589, OMIM 610954.

gnomAD v4.1: 4 of 1,612,718 alleles (0.00025%); highest among the groups gnomAD compares: Non-Finnish European, 0.00034%; no homozygotes.

Submission:

Labcorp Genetics (formerly Invitae), Labcorp
Classification: Uncertain significance for Pitt-Hopkins syndrome. Last evaluated: 2022-07-19. Review status: criteria provided, single submitter. Criteria: Invitae Variant Classification Sherloc (09022015). Collection method: clinical testing. Allele origin: germline.
Comment: This sequence change replaces serine, which is neutral and polar, with arginine, which is basic and polar, at codon 102 of the TCF4 protein (p.Ser102Arg). This variant is present in population databases (rs780638244, gnomAD 0.0009%). This variant has not been reported in the literature in individuals affected with TCF4-related conditions. ClinVar contains an entry for this variant (Variation ID: 1002665). Algorithms developed to predict the effect of missense changes on protein structure and function (SIFT, PolyPhen-2, Align-GVGD) all suggest that this variant is likely to be tolerated. In summary, the available evidence is currently insufficient to determine the role of this variant in disease. Therefore, it has been classified as a Variant of Uncertain Significance.